The following is an entry in ClinVar:

ClinVar aggregate classification (germline): Pathogenic. Review status: criteria provided, single submitter (1 of 4 stars). 2 submissions from 2 submitters: Pathogenic (1). 1 of the submissions does not count toward it. Last evaluated 2023-11-20.

Conditions:
Deficiency of steroid 11-beta-monooxygenase (CYP11B1). Also called: ADRENAL HYPERPLASIA, CONGENITAL, DUE TO STEROID 11-BETA-HYDROXYLASE DEFICIENCY; 11-BETA-HYDROXYLASE DEFICIENCY; Congenital adrenal hyperplasia due to 11-beta-hydroxylase deficiency; P450C11B1 DEFICIENCY; STEROID 11-BETA-HYDROXYLASE DEFICIENCY; ADRENAL HYPERPLASIA IV. Identifiers: Orphanet 90795, MedGen C0268292, MONDO:0008729, OMIM 202010. Disease mechanism: loss of function.

Submissions (2):

Clinical Biochemistry Laboratory, Health Services Laboratory
Classification: Pathogenic for Deficiency of steroid 11-beta-monooxygenase. Last evaluated: 2023-11-20. Review status: criteria provided, single submitter. Criteria: ACMG Guidelines, 2015. Collection method: clinical testing. Allele origin: germline. Affected: yes.
Comment: ACMG:PS3 PM1 PM2 PM3 PP3 PP4

Counsyl
Classification: Uncertain significance for Deficiency of steroid 11-beta-monooxygenase. Last evaluated: 2018-03-09. Review status: no assertion criteria provided. Collection method: clinical testing. Allele origin: unknown. Not counted in ClinVar's aggregate classification.

Literature cited by the submitters: PubMed 20089618 (cited by Clinical Biochemistry Laboratory, Health Services Laboratory and Counsyl); PubMed 28228528 (cited by Counsyl).

NM_000497.4(CYP11B1):c.494C>A (p.Ala165Asp)

Genes: CYP11B1 (cytochrome P450 family 11 subfamily B member 1; minus strand), LOC106799833 (CYP11B1 recombination region; plus strand). Cytogenetic location: 8q24.3.
Variant type: single nucleotide variant.
Coding change: c.494C>A on transcript NM_000497.4 (MANE Select); coding-DNA position 494, C replaced by A.
Protein change: p.Ala165Asp; replaces alanine 165 with aspartic acid.
Molecular consequence: missense variant.
Genome position (GRCh38, 1-based): chr8:142,877,124, G>T on the plus strand (C>A on the coding strand, the complement: CYP11B1 is on the minus strand). VCF-style: chr8-142877124-G-T. GRCh37 (hg19) VCF-style: chr8-143958540-G-T.
Other names: c.494C>A, p.Ala165Asp (NM_001026213.1); short protein forms A165D.
Identifiers: ClinVar variation 557029 (VCV000557029.3), dbSNP rs1554653185, ClinGen allele CA372396042.